The following is an entry in ClinVar:

NM_001042492.3(NF1):c.2T>G (p.Met1Arg)

Genes: MIR4733HG (MIR4733 host gene; minus strand), NF1 (neurofibromin 1; plus strand), LOC111811965 (NF1 (neurofibromin 1) promoter region; plus strand). Cytogenetic location: 17q11.2.
Variant type: single nucleotide variant.
Coding change: c.2T>G on transcript NM_001042492.3 (MANE Select); coding-DNA position 2, T replaced by G.
Protein change: p.Met1Arg; changes the start codon (methionine 1).
Molecular consequence: missense variant, initiator codon variant. On other transcripts: non-coding transcript variant (1).
Genome position (GRCh38, 1-based): chr17:31,095,311, T>G. VCF-style: chr17-31095311-T-G. GRCh37 (hg19) VCF-style: chr17-29422329-T-G.
Other names: c.2T>G, p.Met1Arg (NM_000267.4, NM_001128147.3); short protein forms M1R.
Identifiers: ClinVar variation 426634 (VCV000426634.12), dbSNP rs886041346, ClinGen allele CA398979149.

ClinVar aggregate classification (germline): Pathogenic. Review status: criteria provided, multiple submitters, no conflicts (2 of 4 stars). 4 submissions from 4 submitters: Pathogenic (4). Last evaluated 2025-07-03.

Conditions:
Hereditary cancer-predisposing syndrome. Also called: Neoplastic Syndromes, Hereditary; Hereditary Cancer Syndrome; Tumor predisposition; Hereditary neoplastic syndrome. Identifiers: Orphanet 140162, MedGen C0027672, MeSH D009386, MONDO:0015356.
Cardiovascular phenotype. Identifiers: MedGen CN230736.
Neurofibromatosis, type 1 (NF1). Also called: VON RECKLINGHAUSEN DISEASE; NEUROFIBROMATOSIS, TYPE I, SOMATIC; Peripheral type neurofibromatosis; Neurofibromatosis, type I. Identifiers: Orphanet 636, MedGen C0027831, MONDO:0018975, OMIM 162200. Disease mechanism: loss of function.

Allele frequency attached by ClinVar (database versions not stated): gnomAD exomes below 0.00001; TOPMed below 0.00001.

Submissions (4):

Ambry Genetics
Classification: Pathogenic for Cardiovascular phenotype; Hereditary cancer-predisposing syndrome. Last evaluated: 2025-07-03. Review status: criteria provided, single submitter. Criteria: Ambry Variant Classification Scheme 2023. Collection method: clinical testing. Allele origin: germline.
Comment: The p.M1? pathogenic mutation (also known as c.2T>G) is located in coding exon 1 of the NF1 gene and results from a T to G substitution at nucleotide position 2. This alters the methionine residue at the initiation codon (ATG). Multiple other alterations impacting the initiation codon (c.1A>G, c.1A>T, c.2T>C, c.3G>A, c.3G>C) have been reported in individuals diagnosed with neurofibromatosis type 1 (NF1) (Fahsold R et al. Am. J. Hum. Genet., 2000 Mar;66:790-818; Brinckmann A et al. Electrophoresis, 2007 Dec;28:4295-301; Ko JM et al. Pediatr. Neurol., 2013 Jun;48:447-53; Sabbagh A et al. Hum. Mutat., 2013 Nov;34:1510-8; Tsipi M et al. J Neurol Sci. 2018 Dec 15;395:95-105; Kang E et al. J Hum Genet. 2020 Jan;65(2):79-89). This variant is considered to be rare based on population cohorts in the Genome Aggregation Database (gnomAD). Sequence variations that modify the initiation codon are expected to result in either loss of translation initiation, N-terminal truncation, or cause a shift in the mRNA reading frame. Based on the supporting evidence, this alteration is interpreted as a disease-causing mutation.

Labcorp Genetics (formerly Invitae), Labcorp
Classification: Pathogenic for Neurofibromatosis, type 1. Last evaluated: 2025-06-01. Review status: criteria provided, single submitter. Criteria: Invitae Variant Classification Sherloc (09022015). Collection method: clinical testing. Allele origin: germline.
Comment: This sequence change affects the initiator codon of the NF1 mRNA. This change may impact translation initiation or efficiency. The next in-frame methionine is located at codon 68. This variant is not present in population databases (gnomAD no frequency). Disruption of the initiator codon has been observed in individuals with neurofibromatosis type 1 (PMID: 23668869, 23913538). Invitae Evidence Modeling of clinical and family history, age, sex, and reported ancestry of multiple individuals with this NF1 variant has been performed. This variant is expected to be pathogenic with a positive predictive value of at least 99%. This is a validated machine learning model that incorporates the clinical features of 1,785,918 individuals referred to our laboratory for NF1 testing. ClinVar contains an entry for this variant (Variation ID: 426634). For these reasons, this variant has been classified as Pathogenic.

Genome-Nilou Lab
Classification: Pathogenic for Neurofibromatosis, type 1. Last evaluated: 2022-03-15. Review status: criteria provided, single submitter. Criteria: ACMG Guidelines, 2015. Collection method: clinical testing. Allele origin: germline. Affected: no.

GeneDx
Classification: Pathogenic. Last evaluated: 2018-07-16. Review status: criteria provided, single submitter. Criteria: GeneDx Variant Classification (06012015). Collection method: clinical testing. Allele origin: germline. Affected: yes.
Comment: The c.2 T>G variant in the NF1 gene has not been published as a pathogenic variant, nor has it been reported as a benign variant to our knowledge. The variant alters the initiator Methionine codon, and the resultant protein would be described as p.Met1? using a question mark to signify that it is not known if the loss of Met1 means that all protein translation is completely prevented or if an abnormal protein is produced using an alternate Met. Additionally, other p.Met1? variants (c.1 A>G, c.1_2delATinsCC, c.2 T>C, c.3 G>T, c.3 G>A) have been reported in the Human Gene Mutation Database in association with neurofibromatosis type 1 (Stenson et al., 2014). In summary, we consider this variant to be pathogenic.

Literature cited by the submitters: PubMed 23668869 (cited by Labcorp Genetics (formerly Invitae), Labcorp); PubMed 23913538 (cited by Labcorp Genetics (formerly Invitae), Labcorp).